The following is an entry in ClinVar:

ClinVar aggregate classification (germline): Benign/Likely benign. Review status: criteria provided, multiple submitters, no conflicts (2 of 4 stars). 8 submissions from 8 submitters: Benign (6); Likely benign (1). 1 of the submissions does not count toward it. Last evaluated 2026-01-27.

Conditions:
COL6A3-related disorder. Also called: COL6A3-related disorders; COL6A3-related condition.
Collagen 6-related myopathy. Identifiers: MedGen CN117976, MONDO:0100225.
Bethlem myopathy 1A. Also called: MYOPATHY, BENIGN CONGENITAL, WITH CONTRACTURES; Bethlem myopathy 1; Bethlem Muscular Dystrophy. Identifiers: Orphanet 610, MedGen CN029274, MONDO:0024530, OMIM 158810.

Allele frequency attached by ClinVar (database versions not stated): gnomAD exomes 0.00038 and 0.00098; ExAC 0.00122; gnomAD 0.00354 and 0.00387; 1000 Genomes Project 0.00379; TOPMed 0.00397; ESP Exome Variant Server 0.00415; 1000 Genomes Project 30x 0.00422.
gnomAD v4.1: 1,113 of 1,614,096 alleles (0.069%); highest among the groups gnomAD compares: African/African-American, 1.3%; 6 homozygotes.

Submissions (10):

Labcorp Genetics (formerly Invitae), Labcorp
Classification: Benign for Bethlem myopathy 1A. Last evaluated: 2026-01-27. Review status: criteria provided, single submitter. Criteria: Invitae Variant Classification Sherloc (09022015). Collection method: clinical testing. Allele origin: germline.

Blueprint Genetics
Classification: Likely benign. Last evaluated: 2024-11-13. Review status: criteria provided, single submitter. Criteria: ACMG Guidelines, 2015. Collection method: clinical testing. Allele origin: germline.

CeGaT Center for Human Genetics Tuebingen
Classification: Benign. Last evaluated: 2023-12-01. Review status: criteria provided, single submitter. Criteria: CeGaT Center For Human Genetics Tuebingen Variant Classification Criteria Version 2. Collection method: clinical testing. Allele origin: germline. Affected: yes. Observed: 1 variant allele.
Comment: COL6A3: BP4, BS1, BS2

Mayo Clinic Laboratories, Mayo Clinic
Classification: Benign. Last evaluated: 2019-02-28. Review status: criteria provided, single submitter. Criteria: ACMG Guidelines, 2015. Collection method: clinical testing. Allele origin: germline. Observed: 4 variant alleles.

GeneDx
Classification: Benign. Last evaluated: 2018-03-01. Review status: criteria provided, single submitter. Criteria: GeneDx Variant Classification (06012015). Collection method: clinical testing. Allele origin: germline. Affected: yes.
Comment: This variant is considered likely benign or benign based on one or more of the following criteria: it is a conservative change, it occurs at a poorly conserved position in the protein, it is predicted to be benign by multiple in silico algorithms, and/or has population frequency not consistent with disease.

Illumina Laboratory Services, Illumina
Classification: Benign for Collagen VI-related myopathy. Last evaluated: 2018-01-13. Review status: criteria provided, single submitter. Criteria: ICSL Variant Classification Criteria 13 December 2019. Collection method: clinical testing. Allele origin: germline.
Comment: This variant was observed in the ICSL laboratory as part of a predisposition screen in an ostensibly healthy population. It had not been previously curated by ICSL or reported in the Human Gene Mutation Database (HGMD: prior to June 1st, 2018), and was therefore a candidate for classification through an automated scoring system. Utilizing variant allele frequency, disease prevalence and penetrance estimates, and inheritance mode, an automated score was calculated to assess if this variant is too frequent to cause the disease. Based on the score and internal cut-off values, a variant classified as benign is not then subjected to further curation. The score for this variant resulted in a classification of benign for this disease.

Eurofins Ntd Llc (ga)
Classification: Benign. Last evaluated: 2012-11-05. Review status: criteria provided, single submitter. Criteria: EGL Classification Definitions 2015. Collection method: clinical testing. Allele origin: germline. Observed: 1 variant allele, 1 heterozygote.

PreventionGenetics, part of Exact Sciences
Classification: Benign for COL6A3-related condition. Last evaluated: 2021-09-08. Review status: no assertion criteria provided. Collection method: clinical testing. Allele origin: germline. Not counted in ClinVar's aggregate classification.
Comment: This variant is classified as benign based on ACMG/AMP sequence variant interpretation guidelines (Richards et al. 2015 PMID: 25741868, with internal and published modifications).

Dr. Peter K. Rogan Lab, Western University
No classification provided (evidence only). Condition: Uterine corpus endometrial carcinoma. Review status: no classification provided. Collection method: in vitro. Allele origin: not applicable. Functional consequence: retained intron. Not counted in ClinVar's aggregate classification.

Dr. Peter K. Rogan Lab, Western University
No classification provided (evidence only). Condition: Sarcoma. Review status: no classification provided. Collection method: in vitro. Allele origin: not applicable. Functional consequence: retained intron. Not counted in ClinVar's aggregate classification.

NM_004369.4(COL6A3):c.6211-3C>T

Gene: COL6A3 (collagen type VI alpha 3 chain; minus strand). Cytogenetic location: 2q37.3.
Variant type: single nucleotide variant.
Coding change: c.6211-3C>T on transcript NM_004369.4 (MANE Select); 3 bases into the intron before coding-DNA position 6211, C replaced by T.
Molecular consequence: intron variant.
Genome position (GRCh38, 1-based): chr2:237,360,162, G>A on the plus strand (C>T on the coding strand, the complement: COL6A3 is on the minus strand). VCF-style: chr2-237360162-G-A. GRCh37 (hg19) VCF-style: chr2-238268805-G-A.
Other names: p.?; c.4390-3C>T (NM_057166.5); c.5593-3C>T (NM_057167.4).
Identifiers: ClinVar variation 94957 (VCV000094957.45), dbSNP rs139622600, ClinGen allele CA147990.